The following is an entry in ClinVar:

ClinVar aggregate classification (germline): Uncertain significance (1 of 4 stars; one submission).

Submission:

Labcorp Genetics (formerly Invitae), Labcorp
Classification: Uncertain significance. Last evaluated: 2025-03-17. Review status: criteria provided, single submitter. Criteria: Invitae Variant Classification Sherloc (09022015). Collection method: clinical testing. Allele origin: germline.
Comment: This sequence change replaces glutamine, which is neutral and polar, with arginine, which is basic and polar, at codon 931 of the PITPNM3 protein (p.Gln931Arg). This variant is not present in population databases (gnomAD no frequency). This variant has not been reported in the literature in individuals affected with PITPNM3-related conditions. ClinVar contains an entry for this variant (Variation ID: 2078163). An algorithm developed to predict the effect of missense changes on protein structure and function (PolyPhen-2) suggests that this variant is likely to be disruptive. In summary, the available evidence is currently insufficient to determine the role of this variant in disease. Therefore, it has been classified as a Variant of Uncertain Significance.

NM_031220.4(PITPNM3):c.2792A>G (p.Gln931Arg)

Gene: PITPNM3 (PITPNM family member 3; minus strand). Cytogenetic location: 17p13.2.
Variant type: single nucleotide variant.
Coding change: c.2792A>G on transcript NM_031220.4 (MANE Select); coding-DNA position 2792, A replaced by G.
Protein change: p.Gln931Arg; replaces glutamine 931 with arginine.
Molecular consequence: missense variant.
Genome position (GRCh38, 1-based): chr17:6,455,471, T>C on the plus strand (A>G on the coding strand, the complement: PITPNM3 is on the minus strand). VCF-style: chr17-6455471-T-C. GRCh37 (hg19) VCF-style: chr17-6358791-T-C.
Other names: c.2684A>G, p.Gln895Arg (NM_001165966.2); short protein forms Q895R, Q931R.
Identifiers: ClinVar variation 2078163 (VCV002078163.4), dbSNP rs1348894718, ClinGen allele CA397400030.
Genomic context (GRCh38, chr17:6,455,471, plus strand): 5'-TCCGACTCGGGCTGGCTCTGGGCCCGCTCGGGCTTGGGGTTGGCGGCGGGCGGGTCGGGC[T>C]GCTGCACTGACATGGTTCTGCGCAGGTGGTTGCGCTTCCGCAGGAACTCTGGCTGCGCGT-3'
Protein context (NP_112497.2, residues 921-941): NHLRRTMSVQ[Gln931Arg]PDPPAANPKP